The following is an entry in ClinVar:

ClinVar aggregate classification (germline): Uncertain significance. Review status: criteria provided, multiple submitters, no conflicts (2 of 4 stars). 2 submissions from 2 submitters: Uncertain significance (2). Last evaluated 2022-07-18.

Allele frequency attached by ClinVar (database versions not stated): ExAC 0.00002; TOPMed 0.00002; ESP Exome Variant Server 0.00009.
gnomAD v4.1: 21 of 1,610,148 alleles (0.0013%); highest among the groups gnomAD compares: Non-Finnish European, 0.0017%; no homozygotes.

Submissions (2):

Labcorp Genetics (formerly Invitae), Labcorp
Classification: Uncertain significance. Last evaluated: 2022-07-18. Review status: criteria provided, single submitter. Criteria: Invitae Variant Classification Sherloc (09022015). Collection method: clinical testing. Allele origin: germline.
Comment: This sequence change falls in intron 8 of the CEP152 gene. It does not directly change the encoded amino acid sequence of the CEP152 protein. It affects a nucleotide within the consensus splice site. This variant is present in population databases (rs367871524, gnomAD 0.003%). This variant has not been reported in the literature in individuals affected with CEP152-related conditions. Variants that disrupt the consensus splice site are a relatively common cause of aberrant splicing (PMID: 17576681, 9536098). Algorithms developed to predict the effect of sequence changes on RNA splicing suggest that this variant is not likely to affect RNA splicing. In summary, the available evidence is currently insufficient to determine the role of this variant in disease. Therefore, it has been classified as a Variant of Uncertain Significance.

GeneDx
Classification: Uncertain significance. Last evaluated: 2022-03-16. Review status: criteria provided, single submitter. Criteria: GeneDx Variant Classification Process June 2021. Collection method: clinical testing. Allele origin: germline. Affected: yes.
Comment: Not observed at significant frequency in large population cohorts (gnomAD); In silico analysis supports that this variant does not alter splicing; Has not been previously published as pathogenic or benign to our knowledge

Literature cited by the submitters: PubMed 17576681 (cited by Labcorp Genetics (formerly Invitae), Labcorp); PubMed 9536098 (cited by Labcorp Genetics (formerly Invitae), Labcorp).

NM_001194998.2(CEP152):c.972+3A>G

Gene: CEP152 (centrosomal protein 152; minus strand). Cytogenetic location: 15q21.1.
Variant type: single nucleotide variant.
Coding change: c.972+3A>G on transcript NM_001194998.2 (MANE Select); 3 bases into the intron after coding-DNA position 972, A replaced by G.
Molecular consequence: intron variant.
Genome position (GRCh38, 1-based): chr15:48,791,234, T>C on the plus strand (A>G on the coding strand, the complement: CEP152 is on the minus strand). VCF-style: chr15-48791234-T-C. GRCh37 (hg19) VCF-style: chr15-49083431-T-C.
Other names: c.972+3A>G (NM_014985.4).
Identifiers: ClinVar variation 1706134 (VCV001706134.4), dbSNP rs367871524, ClinGen allele CA7548985.